The following is an entry in ClinVar:

ClinVar aggregate classification (germline): not provided (0 of 4 stars; one submission).

Allele frequency attached by ClinVar (database versions not stated): TOPMed 0.00001.

Submission:

Human Evolutionary Genetics, Institut Pasteur
No classification provided. Review status: no classification provided. Collection method: not provided. Allele origin: germline.
ClinVar note: Converted during submission from untested to not provided.

NM_001127255.2(NLRP7):c.1461G>A (p.Gly487=)

Gene: NLRP7 (NLR family pyrin domain containing 7; minus strand). Cytogenetic location: 19q13.42.
Variant type: single nucleotide variant.
Coding change: c.1461G>A on transcript NM_001127255.2 (MANE Select); coding-DNA position 1461, G replaced by A.
Protein change: p.Gly487=; no amino-acid change (glycine 487 retained).
Molecular consequence: synonymous variant.
Genome position (GRCh38, 1-based): chr19:54,939,358, C>T on the plus strand (G>A on the coding strand, the complement: NLRP7 is on the minus strand). VCF-style: chr19-54939358-C-T. GRCh37 (hg19) VCF-style: chr19-55450726-C-T.
Other names: c.1461G>A, p.Gly487= (NM_001405531.1, NM_139176.4, NM_206828.4).
Identifiers: ClinVar variation 127259 (VCV000127259.4), dbSNP rs199475829, ClinGen allele CA230826.
Genomic context (GRCh38, chr19:54,939,358, plus strand): 5'-TTCTCCGGAAAGCAGCTTCTGTACGTCCCCGATGTCCCAGGCGTGGCCGTCCCTGTCCTC[C>T]CCCTCCTCCTTCTCCAGGGCGTAGAACAGGGCAGTGAGAAACTGCTGGAAGCTGAGGTGG-3'
Protein context (NP_001120727.1, residues 477-497): ALFYALEKEE[Gly487=]EDRDGHAWDI